The following is an entry in ClinVar:

NM_022114.4(PRDM16):c.1577C>T (p.Pro526Leu)

Gene: PRDM16 (PR/SET domain 16; plus strand). Cytogenetic location: 1p36.32.
Variant type: single nucleotide variant.
Coding change: c.1577C>T on transcript NM_022114.4 (MANE Select); coding-DNA position 1577, C replaced by T.
Protein change: p.Pro526Leu; replaces proline 526 with leucine.
Molecular consequence: missense variant.
Genome position (GRCh38, 1-based): chr1:3,411,774, C>T. VCF-style: chr1-3411774-C-T. GRCh37 (hg19) VCF-style: chr1-3328338-C-T.
Other names: c.1577C>T, p.Pro526Leu (NM_199454.3); short protein forms P526L.
Identifiers: ClinVar variation 1412486 (VCV001412486.11), dbSNP rs1212640513, ClinGen allele CA337998158.

ClinVar aggregate classification (germline): Uncertain significance. Review status: criteria provided, multiple submitters, no conflicts (2 of 4 stars). 3 submissions from 3 submitters: Uncertain significance (3). Last evaluated 2024-05-30.

Conditions:
Left ventricular noncompaction 8 (LVNC8). Identifiers: Orphanet 154, Orphanet 54260, MedGen C3809288, MONDO:0014152, OMIM 615373.

Allele frequency attached by ClinVar (database versions not stated): gnomAD exomes 0.00001 and below 0.00001; TOPMed 0.00002; gnomAD 0.00002.
gnomAD v4.1: 12 of 1,611,760 alleles (0.00074%); highest among the groups gnomAD compares: East Asian, 0.0022%; no homozygotes.

Submissions (3):

Dasa
Classification: Uncertain significance. Last evaluated: 2024-05-30. Review status: criteria provided, single submitter. Criteria: DASA Assertion Criteria. Collection method: clinical testing. Allele origin: germline.
Comment: NM_022114.4(PRDM16):c.1577C>T (p.Pro526Leu) is a missense variant that results in the substitution of proline with leucine. This variant is rare in population databases. Computational prediction algorithms are consistent with a benign effect. The currently available literature and clinical evidence are not sufficient to establish a definitive association between this variant and the reported condition. Therefore, this variant is classified as a variant of uncertain significance.

Labcorp Genetics (formerly Invitae), Labcorp
Classification: Uncertain significance for Left ventricular noncompaction 8. Last evaluated: 2022-10-24. Review status: criteria provided, single submitter. Criteria: Invitae Variant Classification Sherloc (09022015). Collection method: clinical testing. Allele origin: germline.
Comment: This variant has not been reported in the literature in individuals affected with PRDM16-related conditions. This sequence change replaces proline, which is neutral and non-polar, with leucine, which is neutral and non-polar, at codon 526 of the PRDM16 protein (p.Pro526Leu). This variant is present in population databases (no rsID available, gnomAD 0.0009%). ClinVar contains an entry for this variant (Variation ID: 1412486). Algorithms developed to predict the effect of missense changes on protein structure and function are either unavailable or do not agree on the potential impact of this missense change (SIFT: "Deleterious"; PolyPhen-2: "Probably Damaging"; Align-GVGD: "Class C0"). In summary, the available evidence is currently insufficient to determine the role of this variant in disease. Therefore, it has been classified as a Variant of Uncertain Significance.

GeneDx
Classification: Uncertain significance. Last evaluated: 2022-05-26. Review status: criteria provided, single submitter. Criteria: GeneDx Variant Classification Process June 2021. Collection method: clinical testing. Allele origin: germline. Affected: yes.
Comment: Has not been previously published as pathogenic or benign to our knowledge; Not observed at significant frequency in large population cohorts (gnomAD); In silico analysis supports that this missense variant has a deleterious effect on protein structure/function